The following is an entry in ClinVar:

ClinVar aggregate classification (germline): Uncertain significance. Review status: criteria provided, multiple submitters, no conflicts (2 of 4 stars). 2 submissions from 2 submitters: Uncertain significance (2). Last evaluated 2025-05-07.

Conditions:
Gastrointestinal stromal tumor. Also called: Gastrointestinal stromal tumor, somatic; Gastrointestinal stroma tumor. Identifiers: Orphanet 44890, MedGen C0238198, MeSH D046152, MONDO:0011719, OMIM 606764, HP:0100723.

Allele frequency attached by ClinVar (database versions not stated): TOPMed below 0.00001.

Submissions (2):

Labcorp Genetics (formerly Invitae), Labcorp
Classification: Uncertain significance for Gastrointestinal stromal tumor. Last evaluated: 2025-05-07. Review status: criteria provided, single submitter. Criteria: Invitae Variant Classification Sherloc (09022015). Collection method: clinical testing. Allele origin: germline.
Comment: This sequence change replaces leucine, which is neutral and non-polar, with phenylalanine, which is neutral and non-polar, at codon 15 of the PDGFRA protein (p.Leu15Phe). This variant is not present in population databases (gnomAD no frequency). This variant has not been reported in the literature in individuals affected with PDGFRA-related conditions. ClinVar contains an entry for this variant (Variation ID: 647687). An algorithm developed to predict the effect of missense changes on protein structure and function outputs the following: PolyPhen-2: "Benign". The phenylalanine amino acid residue is found in multiple mammalian species, which suggests that this missense change does not adversely affect protein function. In summary, the available evidence is currently insufficient to determine the role of this variant in disease. Therefore, it has been classified as a Variant of Uncertain Significance.

Dasa
Classification: Uncertain significance. Last evaluated: 2025-01-14. Review status: criteria provided, single submitter. Criteria: DASA Assertion Criteria. Collection method: clinical testing. Allele origin: germline.
Comment: NM_006206.6(PDGFRA):c.43C>T (p.Leu15Phe) is a missense variant that results in the substitution of leucine with phenylalanine. This variant is absent from population databases. Computational prediction algorithms are consistent with a benign effect. The currently available literature and clinical evidence are not sufficient to establish a definitive association between this variant and the reported condition. Therefore, this variant is classified as a variant of uncertain significance.

NM_006206.6(PDGFRA):c.43C>T (p.Leu15Phe)

Gene: PDGFRA (platelet derived growth factor receptor alpha; plus strand). Cytogenetic location: 4q12.
Variant type: single nucleotide variant.
Coding change: c.43C>T on transcript NM_006206.6 (MANE Select); coding-DNA position 43, C replaced by T.
Protein change: p.Leu15Phe; replaces leucine 15 with phenylalanine.
Molecular consequence: missense variant.
Genome position (GRCh38, 1-based): chr4:54,258,811, C>T. VCF-style: chr4-54258811-C-T. GRCh37 (hg19) VCF-style: chr4-55124978-C-T.
Other names: c.43C>T, p.Leu15Phe (NM_001347827.2, NM_001347829.2); c.118C>T, p.Leu40Phe (NM_001347828.2); c.82C>T, p.Leu28Phe (NM_001347830.2); short protein forms L28F, L40F, L15F.
Identifiers: ClinVar variation 647687 (VCV000647687.9), dbSNP rs1577701660, ClinGen allele CA356888117.
Genomic context (GRCh38, chr4:54,258,811, plus strand): 5'-TTCTAGTTTCCCAGAGCTATGGGGACTTCCCATCCGGCGTTCCTGGTCTTAGGCTGTCTT[C>T]TCACAGGTACGGAGCCCAGTCCTCTCTGAGTTCCTTGTTTGGGTGTCTTGTTTTTTTAAG-3'
Protein context (NP_006197.1, residues 5-25): HPAFLVLGCL[Leu15Phe]TGLSLILCQL